The following is an entry in ClinVar:

ClinVar aggregate classification (germline): Uncertain significance (1 of 4 stars; one submission).

Conditions:
Congenital myasthenic syndrome 17. Identifiers: Orphanet 590, MedGen C4225377, MONDO:0014578, OMIM 616304.
Cenani-Lenz syndactyly syndrome. Also called: CENANI SYNDACTYLISM; SYNDACTYLY, TYPE VII. Identifiers: Orphanet 3258, MedGen C1859309, MONDO:0008931, OMIM 212780.
Sclerosteosis 2 (SOST2). Identifiers: Orphanet 3152, MedGen C3280402, MONDO:0013679, OMIM 614305.

Allele frequency attached by ClinVar (database versions not stated): gnomAD 0.00001; gnomAD exomes 0.00001; TOPMed 0.00001.
gnomAD v4.1: 14 of 1,613,854 alleles (0.00087%); highest among the groups gnomAD compares: Admixed American, 0.0017%; no homozygotes.

Submission:

Labcorp Genetics (formerly Invitae), Labcorp
Classification: Uncertain significance for Cenani-Lenz syndactyly syndrome; Sclerosteosis 2; Congenital myasthenic syndrome 17. Last evaluated: 2022-07-19. Review status: criteria provided, single submitter. Criteria: Invitae Variant Classification Sherloc (09022015). Collection method: clinical testing. Allele origin: germline.
Comment: This sequence change replaces glycine, which is neutral and non-polar, with arginine, which is basic and polar, at codon 1424 of the LRP4 protein (p.Gly1424Arg). In summary, the available evidence is currently insufficient to determine the role of this variant in disease. Therefore, it has been classified as a Variant of Uncertain Significance. Algorithms developed to predict the effect of missense changes on protein structure and function are either unavailable or do not agree on the potential impact of this missense change (SIFT: "Deleterious"; PolyPhen-2: "Benign"; Align-GVGD: "Class C25"). ClinVar contains an entry for this variant (Variation ID: 1471214). This variant has not been reported in the literature in individuals affected with LRP4-related conditions. This variant is present in population databases (no rsID available, gnomAD 0.01%).

NM_002334.4(LRP4):c.4270G>A (p.Gly1424Arg)

Genes: LRP4 (LDL receptor related protein 4; minus strand), LRP4-AS1 (LRP4 antisense RNA 1; plus strand). Cytogenetic location: 11p11.2.
Variant type: single nucleotide variant.
Coding change: c.4270G>A on transcript NM_002334.4 (MANE Select); coding-DNA position 4270, G replaced by A.
Protein change: p.Gly1424Arg; replaces glycine 1424 with arginine.
Molecular consequence: missense variant. On other transcripts: non-coding transcript variant (1).
Genome position (GRCh38, 1-based): chr11:46,873,553, C>T on the plus strand (G>A on the coding strand, the complement: LRP4 is on the minus strand). VCF-style: chr11-46873553-C-T. GRCh37 (hg19) VCF-style: chr11-46895104-C-T.
Other names: short protein forms G1424R.
Identifiers: ClinVar variation 1471214 (VCV001471214.4), dbSNP rs1026948492, ClinGen allele CA221626685.